The following is an entry in ClinVar:

ClinVar aggregate classification (germline): Uncertain significance (1 of 4 stars; one submission).

Conditions:
Peroxisome biogenesis disorder 3A (Zellweger). Also called: Peroxisome biogenesis disorder 3A; PEROXISOMAL BIOGENESIS DISORDER 3A (ZELLWEGER). Identifiers: Orphanet 912, MedGen C3553929, MONDO:0013927, OMIM 614859.

Submission:

Labcorp Genetics (formerly Invitae), Labcorp
Classification: Uncertain significance for Peroxisome biogenesis disorder 3A (Zellweger). Last evaluated: 2021-08-11. Review status: criteria provided, single submitter. Criteria: Invitae Variant Classification Sherloc (09022015). Collection method: clinical testing. Allele origin: germline.
Comment: This variant results in a copy number gain of the genomic region encompassing the full coding sequence of the PEX12 gene. The boundaries of this event are unknown as they extend beyond the assayed region for this gene and therefore may encompass additional genes. As the precise location of this event is unknown, it may be in tandem or it may be located elsewhere in the genome. This variant has not been reported in the literature in individuals with PEX12-related disease. In summary, the available evidence is currently insufficient to determine the role of this variant in disease. Therefore, it has been classified as a Variant of Uncertain Significance.

NC_000017.10:g.(?_33475283)_(34079869_?)dup

Genes: AP2B1 (adaptor related protein complex 2 subunit beta 1; plus strand), GAS2L2 (growth arrest specific 2 like 2; minus strand), PEX12 (peroxisomal biogenesis factor 12; minus strand), RASL10B (RAS like family 10 member B; plus strand), SLC35G3 (solute carrier family 35 member G3; minus strand) and 7 more. Cytogenetic location: 17q12.
Variant type: Duplication.
Identifiers: ClinVar variation 2422813 (VCV002422813.3).